The following is an entry in ClinVar:

NM_032119.4(ADGRV1):c.12181G>T (p.Val4061Phe)

Gene: ADGRV1 (adhesion G protein-coupled receptor V1; plus strand). Cytogenetic location: 5q14.3.
Variant type: single nucleotide variant.
Coding change: c.12181G>T on transcript NM_032119.4 (MANE Select); coding-DNA position 12181, G replaced by T.
Protein change: p.Val4061Phe; replaces valine 4061 with phenylalanine.
Molecular consequence: missense variant. On other transcripts: non-coding transcript variant (1).
Genome position (GRCh38, 1-based): chr5:90,763,365, G>T. VCF-style: chr5-90763365-G-T. GRCh37 (hg19) VCF-style: chr5-90059182-G-T.
Other names: short protein forms V4061F.
Identifiers: ClinVar variation 163601 (VCV000163601.33), dbSNP rs200816323, ClinGen allele CA176223.

ClinVar aggregate classification (germline): Conflicting classifications of pathogenicity. Review status: criteria provided, conflicting classifications (1 of 4 stars). 13 submissions from 13 submitters: Uncertain significance (6); Benign (1); Likely benign (3). 3 of the submissions do not count toward it. Last evaluated 2026-06-15.

Conditions:
ADGRV1-related disorder. Also called: ADGRV1-related condition; ADGRV1-related disorders.
Febrile seizures, familial, 4 (FEB4). Also called: CONVULSIONS, FAMILIAL FEBRILE, 4. Identifiers: MedGen C1858493, MONDO:0011443, OMIM 604352.
Usher syndrome type 2C. Also called: Usher syndrome, type 2B; USHER SYNDROME, TYPE IIC. Identifiers: Orphanet 231178, Orphanet 886, MedGen C2931213, MONDO:0011558, OMIM 605472.
Hearing impairment. Also called: Impaired Hearing. Identifiers: MedGen C1384666, MONDO:0005365, HP:0000365.

Allele frequency attached by ClinVar (database versions not stated): 1000 Genomes Project 0.00020; 1000 Genomes Project 30x 0.00031; gnomAD 0.00061; TOPMed 0.00078; ESP Exome Variant Server 0.00126.
gnomAD v4.1: 1,564 of 1,611,492 alleles (0.097%); highest among the groups gnomAD compares: Non-Finnish European, 0.13%; no homozygotes.

Submissions (14):

PreventionGenetics, part of Exact Sciences
Classification: Uncertain significance for ADGRV1-related condition. Last evaluated: 2026-06-15. Review status: criteria provided, single submitter. Criteria: ACMG Guidelines, 2015. Collection method: clinical testing. Allele origin: germline.
Comment: The ADGRV1 c.12181G>T variant is predicted to result in the amino acid substitution p.Val4061Phe. This variant was reported in an individual with birdshot chorioretinopathy, although information on a second potentially causative variant was not provided (Table S2, Li et al. 2020. PubMed ID: 32707200). This variant is reported in 0.14% of alleles in individuals of European (Non-Finnish) descent in gnomAD, which is higher than expected for an undocumented pathogenic variant in this gene. Although we suspect that this variant may be benign, at this time, the clinical significance of this variant is uncertain due to the absence of conclusive functional and genetic evidence.

Labcorp Genetics (formerly Invitae), Labcorp
Classification: Benign. Last evaluated: 2026-01-27. Review status: criteria provided, single submitter. Criteria: Invitae Variant Classification Sherloc (09022015). Collection method: clinical testing. Allele origin: germline.

Blueprint Genetics
Classification: Likely benign. Last evaluated: 2024-10-03. Review status: criteria provided, single submitter. Criteria: ACMG Guidelines, 2015. Collection method: clinical testing. Allele origin: germline.

Department of Otolaryngology – Head & Neck Surgery, Cochlear Implant Center
Classification: Likely benign for Hearing impairment. Last evaluated: 2021-04-12. Review status: criteria provided, single submitter. Criteria: ClinGen HL ACMG Specifications v1. Collection method: clinical testing. Allele origin: germline. Affected: yes.
Comment: BS1_Supporting, BP4_Supporting

GeneDx
Classification: Likely benign. Last evaluated: 2020-03-23. Review status: criteria provided, single submitter. Criteria: GeneDx Variant Classification Process June 2021. Collection method: clinical testing. Allele origin: germline. Affected: yes.
Comment: This variant is associated with the following publications: (PMID: 32707200)

Athena Diagnostics
Classification: Uncertain significance. Last evaluated: 2018-12-18. Review status: criteria provided, single submitter. Criteria: Athena Diagnostics Criteria. Collection method: clinical testing. Allele origin: germline.

Fulgent Genetics
Classification: Uncertain significance for Febrile seizures, familial, 4; Usher syndrome type 2C. Last evaluated: 2018-10-31. Review status: criteria provided, single submitter. Criteria: ACMG Guidelines, 2015. Collection method: clinical testing. Allele origin: unknown.

Illumina Laboratory Services, Illumina
Classification: Uncertain significance for Usher syndrome type 2C. Last evaluated: 2018-01-13. Review status: criteria provided, single submitter. Criteria: ICSL Variant Classification Criteria 13 December 2019. Collection method: clinical testing. Allele origin: germline.

Eurofins Ntd Llc (ga)
Classification: Uncertain significance. Last evaluated: 2017-09-01. Review status: criteria provided, single submitter. Criteria: EGL Classification Definitions 2015. Collection method: clinical testing. Allele origin: germline. Observed: 1 variant allele, 1 heterozygote.

Laboratory for Molecular Medicine, Mass General Brigham Personalized Medicine
Classification: Uncertain significance. Last evaluated: 2013-08-01. Review status: criteria provided, single submitter. Criteria: LMM Criteria. Collection method: clinical testing. Allele origin: germline. Observed: 2 variant alleles.
Comment: Variant classified as Uncertain Significance - Favor Benign. The Val4061Phe variant has been also been identified in 0.1% (14/8220 ) of European American chromosomes by the NHLBI Exome Sequencing Project (dbSNP rs200816323); however this frequency is not h igh enough to rule out pathogenicity. Computational analyses (biochemical amino acid properties, conservation, AlignGVGD, PolyPhen2, and SIFT) do not provide st rong support for or against an impact to the protein. In summary, the clinical s ignificance of this variant cannot be determined with certainty; however, based upon its frequency in the general population, we lean towards a more likely beni gn role.

Clinical Genetics DNA and cytogenetics Diagnostics Lab, Erasmus MC, Erasmus Medical Center
Classification: Likely benign. Review status: no assertion criteria provided. Collection method: clinical testing. Allele origin: germline. Affected: yes. Study: VKGL Data-share Consensus. Not counted in ClinVar's aggregate classification.

Clinical Genetics, Academic Medical Center
Classification: Likely benign. Review status: no assertion criteria provided. Collection method: clinical testing. Allele origin: germline. Affected: yes. Study: VKGL Data-share Consensus. Not counted in ClinVar's aggregate classification.

Dr. Peter K. Rogan Lab, Western University
No classification provided (evidence only). Condition: Uterine corpus endometrial carcinoma. Review status: no classification provided. Collection method: in vitro. Allele origin: not applicable. Functional consequence: retained intron. Not counted in ClinVar's aggregate classification.

Genome Diagnostics Laboratory, University Medical Center Utrecht
Classification: Likely benign. Review status: no assertion criteria provided. Collection method: clinical testing. Allele origin: germline. Affected: yes. Study: VKGL Data-share Consensus. Not counted in ClinVar's aggregate classification.